The following is an entry in ClinVar:

ClinVar aggregate classification (germline): Conflicting classifications of pathogenicity. Review status: criteria provided, conflicting classifications (1 of 4 stars). 6 submissions from 6 submitters: Uncertain significance (1); Likely benign (3). 2 of the submissions do not count toward it. Last evaluated 2026-01-11.

Conditions:
Pulmonary fibrosis and/or bone marrow failure, Telomere-related, 3. Also called: PULMONARY FIBROSIS AND/OR BONE MARROW FAILURE SYNDROME, TELOMERE-RELATED, 3. Identifiers: Orphanet 2032, MedGen C4225346, MONDO:0014613, OMIM 616373.
Dyskeratosis congenita, autosomal recessive 5 (DKCB5). Identifiers: MedGen C3554656, MONDO:0014076, OMIM 615190.
Dyskeratosis congenita, autosomal dominant 1 (DKCA1). Also called: Dyskeratosis congenita Scoggins type. Identifiers: Orphanet 1775, MedGen C4551974, MONDO:0007485, OMIM 127550. Inheritance: Variable.
RTEL1-related disorder. Also called: RTEL1-related condition; RTEL1-related disorders.

Allele frequency attached by ClinVar (database versions not stated): gnomAD exomes 0.00003 and 0.00004; ExAC 0.00004; gnomAD 0.00017 and 0.00019; TOPMed 0.00026.
gnomAD v4.1: 69 of 1,600,394 alleles (0.0043%); highest among the groups gnomAD compares: African/African-American, 0.051%; no homozygotes.

Submissions (6):

Labcorp Genetics (formerly Invitae), Labcorp
Classification: Likely benign for Dyskeratosis congenita, autosomal recessive 5; Pulmonary fibrosis and/or bone marrow failure, Telomere-related, 3. Last evaluated: 2026-01-11. Review status: criteria provided, single submitter. Criteria: Invitae Variant Classification Sherloc (09022015). Collection method: clinical testing. Allele origin: germline.

Women's Health and Genetics/Laboratory Corporation of America, LabCorp
Classification: Likely benign. Last evaluated: 2023-11-16. Review status: criteria provided, single submitter. Criteria: LabCorp Variant Classification Summary - May 2015. Collection method: clinical testing. Allele origin: germline.
Comment: Variant summary: RTEL1 c.1421-9G>A alters a non-conserved nucleotide located at a position not widely known to affect splicing. Consensus agreement among computation tools predict no significant impact on normal splicing. However, these predictions have yet to be confirmed by functional studies. The variant allele was found at a frequency of 4.2e-05 in 237398 control chromosomes (gnomAD). This frequency is not significantly higher than estimated for a pathogenic variant in RTEL1 causing Dyskeratosis Congenita (Hoyeraal Hreidarsson Syndrome) (4.2e-05 vs 0.0011), allowing no conclusion about variant significance. To our knowledge, no occurrence of c.1421-9G>A in individuals affected with Dyskeratosis Congenita (Hoyeraal Hreidarsson Syndrome) and no experimental evidence demonstrating its impact on protein function have been reported. Three submitters have reported this variant to ClinVar after 2014 with conflicting assessments (likely benign, n = 2; uncertain significance, n = 1). Based on the evidence outlined above, the variant was classified as likely benign.

Blueprint Genetics
Classification: Likely benign. Last evaluated: 2023-10-23. Review status: criteria provided, single submitter. Criteria: ACMG Guidelines, 2015. Collection method: clinical testing. Allele origin: germline.

Genetic Services Laboratory, University of Chicago
Classification: Uncertain significance. Last evaluated: 2017-01-19. Review status: criteria provided, single submitter. Criteria: ACMG Guidelines, 2015. Collection method: clinical testing. Allele origin: germline. Affected: no.

PreventionGenetics, part of Exact Sciences
Classification: Likely benign for RTEL1-related condition. Last evaluated: 2020-10-23. Review status: no assertion criteria provided. Collection method: clinical testing. Allele origin: germline. Not counted in ClinVar's aggregate classification.
Comment: This variant is classified as likely benign based on ACMG/AMP sequence variant interpretation guidelines (Richards et al. 2015 PMID: 25741868, with internal and published modifications).

Natera, Inc.
Classification: Likely benign for Autosomal dominant dyskeratosis congenita. Last evaluated: 2020-06-13. Review status: no assertion criteria provided. Collection method: clinical testing. Allele origin: germline. Not counted in ClinVar's aggregate classification.

NM_001283009.2(RTEL1):c.1349-9G>A

Genes: RTEL1 (regulator of telomere elongation helicase 1; plus strand), RTEL1-TNFRSF6B (RTEL1-TNFRSF6B readthrough (NMD candidate); plus strand). Cytogenetic location: 20q13.33.
Variant type: single nucleotide variant.
Coding change: c.1349-9G>A on transcript NM_001283009.2 (MANE Select); 9 bases into the intron before coding-DNA position 1349, G replaced by A.
Molecular consequence: intron variant.
Genome position (GRCh38, 1-based): chr20:63,687,629, G>A. VCF-style: chr20-63687629-G-A. GRCh37 (hg19) VCF-style: chr20-62318982-G-A.
Other names: c.680-9G>A (NM_001283010.1); c.1421-9G>A (NM_032957.5); c.1349-9G>A (NM_016434.4).
Identifiers: ClinVar variation 436565 (VCV000436565.21), dbSNP rs772899702, ClinGen allele CA9964776.